The following is an entry in ClinVar:

NM_003477.3(PDHX):c.579A>G (p.Glu193=)

Gene: PDHX (pyruvate dehydrogenase complex component X; plus strand). Cytogenetic location: 11p13.
Variant type: single nucleotide variant.
Coding change: c.579A>G on transcript NM_003477.3 (MANE Select); coding-DNA position 579, A replaced by G.
Protein change: p.Glu193=; no amino-acid change (glutamic acid 193 retained).
Molecular consequence: synonymous variant. On other transcripts: intron variant (1).
Genome position (GRCh38, 1-based): chr11:34,960,456, A>G. VCF-style: chr11-34960456-A-G. GRCh37 (hg19) VCF-style: chr11-34982003-A-G.
Other names: p.E193E:GAA>GAG; c.399A>G, p.Glu133= (NM_001135024.2); c.342+12850A>G (NM_001166158.2).
Identifiers: ClinVar variation 214955 (VCV000214955.39), dbSNP rs61752926, ClinGen allele CA325367.

ClinVar aggregate classification (germline): Conflicting classifications of pathogenicity. Review status: criteria provided, conflicting classifications (1 of 4 stars). 5 submissions from 5 submitters: Uncertain significance (1); Benign (1); Likely benign (3). Last evaluated 2026-07-01.

Conditions:
Pyruvate dehydrogenase E3-binding protein deficiency (PDHXD). Also called: Lacticacidemia due to PDX1 deficiency; E3-Binding Protein (Component X) Deficiency; LACTIC ACIDEMIA DUE TO DEFECT IN LIPOYL-CONTAINING COMPONENT X OF THE PYRUVATE DEHYDROGENASE COMPLEX; PYRUVATE HYDROGENASE E3-BINDING PROTEIN DEFICIENCY. Identifiers: Orphanet 255182, MedGen C1855553, MONDO:0009503, OMIM 245349.

Allele frequency attached by ClinVar (database versions not stated): 1000 Genomes Project 0.00020; 1000 Genomes Project 30x 0.00031; ExAC 0.00052; ESP Exome Variant Server 0.00062; gnomAD exomes 0.00062; gnomAD 0.00077 and 0.00082; TOPMed 0.00077.
gnomAD v4.1: 1,628 of 1,613,554 alleles (0.1%); highest among the groups gnomAD compares: Non-Finnish European, 0.13%; 4 homozygotes.

Submissions (5):

CeGaT Center for Human Genetics Tuebingen
Classification: Likely benign. Last evaluated: 2026-07-01. Review status: criteria provided, single submitter. Criteria: CeGaT Center For Human Genetics Tuebingen Variant Classification Criteria Version 2. Collection method: clinical testing. Allele origin: germline. Affected: yes. Observed: 6 variant alleles.
Comment: PDHX: BP4, BP7

Labcorp Genetics (formerly Invitae), Labcorp
Classification: Likely benign. Last evaluated: 2026-01-20. Review status: criteria provided, single submitter. Criteria: Invitae Variant Classification Sherloc (09022015). Collection method: clinical testing. Allele origin: germline.

Blueprint Genetics
Classification: Likely benign. Last evaluated: 2024-11-15. Review status: criteria provided, single submitter. Criteria: ACMG Guidelines, 2015. Collection method: clinical testing. Allele origin: germline.

Illumina Laboratory Services, Illumina
Classification: Uncertain significance for Pyruvate dehydrogenase E3-binding protein deficiency. Last evaluated: 2018-01-12. Review status: criteria provided, single submitter. Criteria: ICSL Variant Classification Criteria 13 December 2019. Collection method: clinical testing. Allele origin: germline.

GeneDx
Classification: Benign. Last evaluated: 2014-08-14. Review status: criteria provided, single submitter. Criteria: GeneDx Variant Classification (06012015). Collection method: clinical testing. Allele origin: germline. Affected: yes.
Comment: This variant is considered likely benign or benign based on one or more of the following criteria: it is a conservative change, it occurs at a poorly conserved position in the protein, it is predicted to be benign by multiple in silico algorithms, and/or has population frequency not consistent with disease.